The following is an entry in ClinVar:

ClinVar aggregate classification (germline): Uncertain significance (1 of 4 stars; one submission).

Allele frequency attached by ClinVar (database versions not stated): gnomAD exomes below 0.00001.
gnomAD v4.1: 1 of 1,614,232 alleles (0.000062%); highest among the groups gnomAD compares: South Asian, 0.0011%; no homozygotes.

Submission:

Labcorp Genetics (formerly Invitae), Labcorp
Classification: Uncertain significance. Last evaluated: 2023-06-05. Review status: criteria provided, single submitter. Criteria: Invitae Variant Classification Sherloc (09022015). Collection method: clinical testing. Allele origin: germline.
Comment: This sequence change replaces cysteine, which is neutral and slightly polar, with phenylalanine, which is neutral and non-polar, at codon 1844 of the CACNA1D protein (p.Cys1844Phe). This variant is not present in population databases (gnomAD no frequency). This variant has not been reported in the literature in individuals affected with CACNA1D-related conditions. An algorithm developed to predict the effect of missense changes on protein structure and function (PolyPhen-2) suggests that this variant is likely to be tolerated. In summary, the available evidence is currently insufficient to determine the role of this variant in disease. Therefore, it has been classified as a Variant of Uncertain Significance.

NM_001128840.3(CACNA1D):c.5471G>T (p.Cys1824Phe)

Gene: CACNA1D (calcium voltage-gated channel subunit alpha1 D; plus strand). Cytogenetic location: 3p21.1.
Variant type: single nucleotide variant.
Coding change: c.5471G>T on transcript NM_001128840.3 (MANE Select); coding-DNA position 5471, G replaced by T.
Protein change: p.Cys1824Phe; replaces cysteine 1824 with phenylalanine.
Molecular consequence: missense variant.
Genome position (GRCh38, 1-based): chr3:53,803,458, G>T. VCF-style: chr3-53803458-G-T. GRCh37 (hg19) VCF-style: chr3-53837485-G-T.
Other names: c.5531G>T, p.Cys1844Phe (NM_000720.4); c.5399G>T, p.Cys1800Phe (NM_001128839.3); short protein forms C1844F, C1800F, C1824F.
Identifiers: ClinVar variation 2770412 (VCV002770412.3), dbSNP rs1204831956, ClinGen allele CA353253287.